The following is an entry in ClinVar:

ClinVar aggregate classification (germline): Uncertain significance (1 of 4 stars; one submission).

gnomAD v4.1: 16 of 1,613,984 alleles (0.00099%); highest among the groups gnomAD compares: South Asian, 0.0011%; no homozygotes.

Submission:

GeneDx
Classification: Uncertain significance. Last evaluated: 2025-07-03. Review status: criteria provided, single submitter. Criteria: GeneDx Variant Classification Process June 2021. Collection method: clinical testing. Allele origin: germline. Affected: yes.
Comment: Nonsense variant predicted to result in protein truncation or nonsense mediated decay in a gene or region of a gene for which loss of function is not a well-established mechanism of disease; Has not been previously published as pathogenic or benign to our knowledge

NM_001378964.1(CDON):c.2014C>T (p.Arg672Ter)

Gene: CDON (cell adhesion associated, oncogene regulated; minus strand). Cytogenetic location: 11q24.2.
Variant type: single nucleotide variant.
Coding change: c.2014C>T on transcript NM_001378964.1 (MANE Select); coding-DNA position 2014, C replaced by T.
Protein change: p.Arg672Ter; replaces arginine 672 with a stop codon.
Molecular consequence: nonsense.
Genome position (GRCh38, 1-based): chr11:126,003,914, G>A on the plus strand (C>T on the coding strand, the complement: CDON is on the minus strand). VCF-style: chr11-126003914-G-A. GRCh37 (hg19) VCF-style: chr11-125873809-G-A.
Other names: c.2014C>T, p.Arg672Ter (NM_001243597.3, NM_001441161.1, NM_001441162.1 and 5 more transcripts); short protein forms R672*.
Identifiers: ClinVar variation 4680872 (VCV004680872.1).
Genomic context (GRCh38, chr11:126,003,914, plus strand): 5'-TGACATCAGGGCAGCCAGCTCATTCCTCCAAAGGAAGCCCTCACTCACCTTTGCTGGTTC[G>A]GAAGGTAAGCATGGCAGGTTGGCCTTCACCTGCTGCGCTTCTTGCTACCATCAAGACTTC-3'